The following is an entry in ClinVar:

NM_001134745.3(LRRTM4):c.156C>G (p.Phe52Leu)

Gene: LRRTM4 (leucine rich repeat transmembrane neuronal 4; minus strand). Cytogenetic location: 2p12.
Variant type: single nucleotide variant.
Coding change: c.156C>G on transcript NM_001134745.3 (MANE Select); coding-DNA position 156, C replaced by G.
Protein change: p.Phe52Leu; replaces phenylalanine 52 with leucine.
Molecular consequence: missense variant.
Genome position (GRCh38, 1-based): chr2:77,519,713, G>C on the plus strand (C>G on the coding strand, the complement: LRRTM4 is on the minus strand). VCF-style: chr2-77519713-G-C. GRCh37 (hg19) VCF-style: chr2-77746839-G-C.
Other names: c.156C>G, p.Phe52Leu (NM_001282924.3, NM_024993.6); c.159C>G, p.Phe53Leu (NM_001282928.3, NM_001330370.2); short protein forms F52L, F53L.
Identifiers: ClinVar variation 3034583 (VCV003034583.2), dbSNP rs76327576, ClinGen allele CA1733811.

ClinVar aggregate classification (germline): Likely benign (0 of 4 stars; one submission).

Conditions:
LRRTM4-related disorder. Also called: LRRTM4-related condition.

Allele frequency attached by ClinVar (database versions not stated): ExAC 0.00097; 1000 Genomes Project 0.00339; ESP Exome Variant Server 0.00375; TOPMed 0.00466; 1000 Genomes Project 30x 0.00484.
gnomAD v4.1: 1,235 of 1,613,336 alleles (0.077%); highest among the groups gnomAD compares: African/African-American, 1.5%; 18 homozygotes.

Submission:

PreventionGenetics, part of Exact Sciences
Classification: Likely benign for LRRTM4-related condition. Last evaluated: 2021-02-01. Review status: no assertion criteria provided. Collection method: clinical testing. Allele origin: germline.
Comment: This variant is classified as likely benign based on ACMG/AMP sequence variant interpretation guidelines (Richards et al. 2015 PMID: 25741868, with internal and published modifications).